The following is an entry in ClinVar:

ClinVar aggregate classification (germline): Uncertain significance (1 of 4 stars; one submission).

Conditions:
46,XY sex reversal 6. Also called: 46,XY SEX REVERSAL, PARTIAL OR COMPLETE, MAP3K1-RELATED; 46,XY GONADAL DYSGENESIS, PARTIAL OR COMPLETE, MAP3K1-RELATED. Identifiers: MedGen C3151064, MONDO:0013410, OMIM 613762.

Submission:

Labcorp Genetics (formerly Invitae), Labcorp
Classification: Uncertain significance for 46,XY sex reversal 6. Last evaluated: 2021-03-08. Review status: criteria provided, single submitter. Criteria: Invitae Variant Classification Sherloc (09022015). Collection method: clinical testing. Allele origin: germline.
Comment: This variant, c.179_181dup, results in the insertion of 1 amino acid(s) to the MAP3K1 protein (p.Arg60dup), but otherwise preserves the integrity of the reading frame. In summary, the available evidence is currently insufficient to determine the role of this variant in disease. Therefore, it has been classified as a Variant of Uncertain Significance. Experimental studies and prediction algorithms are not available or were not evaluated, and the functional significance of this variant is currently unknown. This variant has not been reported in the literature in individuals with MAP3K1-related conditions. The frequency data for this variant in the population databases is considered unreliable, as metrics indicate poor data quality at this position in the ExAC database.

NM_005921.2(MAP3K1):c.170GGC[5] (p.Arg60dup)

Genes: MAP3K1 (mitogen-activated protein kinase kinase kinase 1; plus strand), LOC129993918 (ATAC-STARR-seq lymphoblastoid silent region 16021; plus strand). Cytogenetic location: 5q11.2.
Variant type: Microsatellite.
Coding change: c.170GGC[5] on transcript NM_005921.2 (MANE Select); five copies in a row of the 3-base unit GGC starting at c.170; the reference has four copies in a row; one copy, 3 bases duplicated.
Protein change: p.Arg60dup; duplicates arginine 60.
Molecular consequence: inframe insertion.
Genome position (GRCh38, 1-based): chr5:56,815,752-56,815,754, GGC duplicated; duplicating any 3 consecutive bases within chr5:56,815,743-56,815,754 gives the same sequence; the position shown is the placement nearest the transcript's 3' end. VCF-style (leftmost placement, unchanged base first): chr5-56815742-T-TGGC. GRCh37 (hg19) VCF-style: chr5-56111569-T-TGGC.
Identifiers: ClinVar variation 1440880 (VCV001440880.8), dbSNP rs746070735, ClinGen allele CA3272500.